The following is an entry in ClinVar:

NM_014845.6(FIG4):c.463C>T (p.Gln155Ter)

Gene: FIG4 (FIG4 phosphoinositide 5-phosphatase; plus strand). Cytogenetic location: 6q21.
Variant type: single nucleotide variant.
Coding change: c.463C>T on transcript NM_014845.6 (MANE Select); coding-DNA position 463, C replaced by T.
Protein change: p.Gln155Ter; replaces glutamine 155 with a stop codon.
Molecular consequence: nonsense.
Genome position (GRCh38, 1-based): chr6:109,732,653, C>T. VCF-style: chr6-109732653-C-T. GRCh37 (hg19) VCF-style: chr6-110053856-C-T.
Other names: short protein forms Q155*.
Identifiers: ClinVar variation 2133903 (VCV002133903.4), dbSNP rs2486117018, ClinGen allele CA365218370.

ClinVar aggregate classification (germline): Pathogenic (1 of 4 stars; one submission).

Conditions:
Charcot-Marie-Tooth disease type 4. Also called: Charcot-Marie-Tooth disease, type IV; Charcot-Marie-Tooth, Type 4. Identifiers: Orphanet 64749, MedGen C4082197, MONDO:0018995.

Submission:

Labcorp Genetics (formerly Invitae), Labcorp
Classification: Pathogenic for Charcot-Marie-Tooth disease type 4. Last evaluated: 2022-05-04. Review status: criteria provided, single submitter. Criteria: Invitae Variant Classification Sherloc (09022015). Collection method: clinical testing. Allele origin: germline.
Comment: For these reasons, this variant has been classified as Pathogenic. This variant has not been reported in the literature in individuals affected with FIG4-related conditions. This variant is not present in population databases (gnomAD no frequency). This sequence change creates a premature translational stop signal (p.Gln155*) in the FIG4 gene. It is expected to result in an absent or disrupted protein product. Loss-of-function variants in FIG4 are known to be pathogenic (PMID: 23623387).

Literature cited by the submitters: PubMed 23623387.